The following is an entry in ClinVar:

NM_014140.4(SMARCAL1):c.644C>T (p.Thr215Met)

Gene: SMARCAL1 (SNF2 related chromatin remodeling annealing helicase 1; plus strand). Cytogenetic location: 2q35.
Variant type: single nucleotide variant.
Coding change: c.644C>T on transcript NM_014140.4 (MANE Select); coding-DNA position 644, C replaced by T.
Protein change: p.Thr215Met; replaces threonine 215 with methionine.
Molecular consequence: missense variant.
Genome position (GRCh38, 1-based): chr2:216,415,348, C>T. VCF-style: chr2-216415348-C-T. GRCh37 (hg19) VCF-style: chr2-217280071-C-T.
Other names: c.644C>T, p.Thr215Met (NM_001127207.2); short protein forms T215M.
Identifiers: ClinVar variation 2079502 (VCV002079502.3), dbSNP rs759842283, ClinGen allele CA2097632.

ClinVar aggregate classification (germline): Conflicting classifications of pathogenicity. Review status: criteria provided, conflicting classifications (1 of 4 stars). 3 submissions from 3 submitters: Uncertain significance (2); Likely benign (1). Last evaluated 2025-06-29.

Conditions:
Inborn genetic diseases. Identifiers: MedGen C0950123, MeSH D030342.
Schimke immuno-osseous dysplasia (SIOD). Also called: Schimke Immunoosseous Dysplasia. Identifiers: Orphanet 1830, MedGen C0877024, MONDO:0009458, OMIM 242900.

Allele frequency attached by ClinVar (database versions not stated): ExAC 0.00002; gnomAD 0.00002; TOPMed 0.00002; 1000 Genomes Project 30x 0.00016.
gnomAD v4.1: 38 of 1,614,196 alleles (0.0024%); highest among the groups gnomAD compares: Admixed American, 0.0033%; no homozygotes.

Submissions (3):

Ambry Genetics
Classification: Uncertain significance for Inborn genetic diseases. Last evaluated: 2025-06-29. Review status: criteria provided, single submitter. Criteria: Ambry Variant Classification Scheme 2023. Collection method: clinical testing. Allele origin: germline.

Blueprint Genetics
Classification: Likely benign. Last evaluated: 2024-10-21. Review status: criteria provided, single submitter. Criteria: ACMG Guidelines, 2015. Collection method: clinical testing. Allele origin: germline.

Labcorp Genetics (formerly Invitae), Labcorp
Classification: Uncertain significance for Schimke immuno-osseous dysplasia. Last evaluated: 2021-09-17. Review status: criteria provided, single submitter. Criteria: Invitae Variant Classification Sherloc (09022015). Collection method: clinical testing. Allele origin: germline.
Comment: This sequence change replaces threonine with methionine at codon 215 of the SMARCAL1 protein (p.Thr215Met). The threonine residue is weakly conserved and there is a moderate physicochemical difference between threonine and methionine. This variant is present in population databases (rs759842283, ExAC 0.003%). This variant has not been reported in the literature in individuals affected with SMARCAL1-related conditions. Algorithms developed to predict the effect of missense changes on protein structure and function output the following: SIFT: "Tolerated"; PolyPhen-2: "Benign"; Align-GVGD: "Class C0". The methionine amino acid residue is found in multiple mammalian species, which suggests that this missense change does not adversely affect protein function. In summary, the available evidence is currently insufficient to determine the role of this variant in disease. Therefore, it has been classified as a Variant of Uncertain Significance.